The following is an entry in ClinVar:

NM_004655.4(AXIN2):c.169C>T (p.Arg57Trp)

Gene: AXIN2 (axin 2; minus strand). Cytogenetic location: 17q24.1.
Variant type: single nucleotide variant.
Coding change: c.169C>T on transcript NM_004655.4 (MANE Select); coding-DNA position 169, C replaced by T.
Protein change: p.Arg57Trp; replaces arginine 57 with tryptophan.
Molecular consequence: missense variant.
Genome position (GRCh38, 1-based): chr17:65,558,452, G>A on the plus strand (C>T on the coding strand, the complement: AXIN2 is on the minus strand). VCF-style: chr17-65558452-G-A. GRCh37 (hg19) VCF-style: chr17-63554570-G-A.
Other names: c.169C>T, p.Arg57Trp (NM_001363813.1); c.169C>T (LRG_296t1); short protein forms R57W.
Identifiers: ClinVar variation 464565 (VCV000464565.10), dbSNP rs1555583686, ClinGen allele CA400681975.

ClinVar aggregate classification (germline): Uncertain significance. Review status: criteria provided, multiple submitters, no conflicts (2 of 4 stars). 3 submissions from 3 submitters: Uncertain significance (3). Last evaluated 2026-02-11.

Conditions:
Hereditary cancer-predisposing syndrome. Also called: Neoplastic Syndromes, Hereditary; Tumor predisposition; Hereditary Cancer Syndrome; Hereditary neoplastic syndrome. Identifiers: Orphanet 140162, MedGen C0027672, MeSH D009386, MONDO:0015356.
Oligodontia-cancer predisposition syndrome. Also called: TOOTH AGENESIS-COLORECTAL CANCER SYNDROME. Identifiers: Orphanet 300576, MedGen C1837750, MONDO:0012075, OMIM 608615. Disease mechanism: loss of function.

Submissions (3):

St. Jude Molecular Pathology, St. Jude Children's Research Hospital
Classification: Uncertain significance for Oligodontia-cancer predisposition syndrome. Last evaluated: 2026-02-11. Review status: criteria provided, single submitter. Criteria: St. Jude Assertion Criteria 2020. Collection method: clinical testing. Allele origin: germline.
Comment: The AXIN2 c.169C>T p.(Arg57Trp) missense change is absent in gnomAD v2.1.1. The in silico tool REVEL is inconclusive about a pathogenic or benign effect of this variant on protein function, and to our knowledge functional studies have not been performed. To our knowledge, this variant has not been reported in the literature in individuals with oligodontia-cancer predisposition syndrome. In summary, the evidence currently available is insufficient to determine the clinical significance of this variant. It has therefore been classified as of uncertain significance.

Ambry Genetics
Classification: Uncertain significance for Hereditary cancer-predisposing syndrome. Last evaluated: 2025-04-10. Review status: criteria provided, single submitter. Criteria: Ambry Variant Classification Scheme 2023. Collection method: clinical testing. Allele origin: germline.
Comment: The p.R57W variant (also known as c.169C>T), located in coding exon 1 of the AXIN2 gene, results from a C to T substitution at nucleotide position 169. The arginine at codon 57 is replaced by tryptophan, an amino acid with dissimilar properties. This amino acid position is conserved. In addition, the in silico prediction for this alteration is inconclusive. Based on the available evidence, the clinical significance of this variant remains unclear.

Labcorp Genetics (formerly Invitae), Labcorp
Classification: Uncertain significance for Oligodontia-cancer predisposition syndrome. Last evaluated: 2024-08-26. Review status: criteria provided, single submitter. Criteria: Invitae Variant Classification Sherloc (09022015). Collection method: clinical testing. Allele origin: germline.
Comment: This sequence change replaces arginine, which is basic and polar, with tryptophan, which is neutral and slightly polar, at codon 57 of the AXIN2 protein (p.Arg57Trp). This variant is not present in population databases (gnomAD no frequency). This variant has not been reported in the literature in individuals affected with AXIN2-related conditions. ClinVar contains an entry for this variant (Variation ID: 464565). Invitae Evidence Modeling of protein sequence and biophysical properties (such as structural, functional, and spatial information, amino acid conservation, physicochemical variation, residue mobility, and thermodynamic stability) indicates that this missense variant is expected to disrupt AXIN2 protein function with a positive predictive value of 80%. In summary, the available evidence is currently insufficient to determine the role of this variant in disease. Therefore, it has been classified as a Variant of Uncertain Significance.